The following is an entry in ClinVar:

NM_001035.3(RYR2):c.9827T>C (p.Leu3276Pro)

Gene: RYR2 (ryanodine receptor 2; plus strand). Cytogenetic location: 1q43.
Variant type: single nucleotide variant.
Coding change: c.9827T>C on transcript NM_001035.3 (MANE Select); coding-DNA position 9827, T replaced by C.
Protein change: p.Leu3276Pro; replaces leucine 3276 with proline.
Molecular consequence: missense variant.
Genome position (GRCh38, 1-based): chr1:237,707,195, T>C. VCF-style: chr1-237707195-T-C. GRCh37 (hg19) VCF-style: chr1-237870495-T-C.
Other names: short protein forms L3276P.
Identifiers: ClinVar variation 3730037 (VCV003730037.2).
Genomic context (GRCh38, chr1:237,707,195, plus strand): 5'-ACAATCCAGAACGGGCCGAGATGTGCTGCACAGCCCTGAACTCAGAGCACATGAACACAC[T>C]TCTAGGGAACATATTGAAAATCATATATAATAACTTGGGGATTGATGAGGGAGCCTGGAT-3'
Protein context (NP_001026.2, residues 3266-3286): TALNSEHMNT[Leu3276Pro]LGNILKIIYN

ClinVar aggregate classification (germline): Uncertain significance (1 of 4 stars; one submission).

Conditions:
Catecholaminergic polymorphic ventricular tachycardia 1. Also called: RYR2-Related Catecholaminergic Polymorphic Ventricular Tachycardia; VENTRICULAR TACHYCARDIA, CATECHOLAMINERGIC POLYMORPHIC, 1, WITH OR WITHOUT ATRIAL DYSFUNCTION AND/OR DILATED CARDIOMYOPATHY; VENTRICULAR TACHYCARDIA, STRESS-INDUCED POLYMORPHIC 1. Identifiers: Orphanet 3286, MedGen C1631597, MONDO:0011484, OMIM 604772.

gnomAD v4.1: 3 of 1,605,810 alleles (0.00019%); highest among the groups gnomAD compares: Non-Finnish European, 0.00026%; no homozygotes.

Submission:

Labcorp Genetics (formerly Invitae), Labcorp
Classification: Uncertain significance for Catecholaminergic polymorphic ventricular tachycardia 1. Last evaluated: 2025-12-14. Review status: criteria provided, single submitter. Criteria: Invitae Variant Classification Sherloc (09022015). Collection method: clinical testing. Allele origin: germline.
Comment: This sequence change replaces leucine, which is neutral and non-polar, with proline, which is neutral and non-polar, at codon 3276 of the RYR2 protein (p.Leu3276Pro). This variant is not present in population databases (gnomAD no frequency). This variant has not been reported in the literature in individuals affected with RYR2-related conditions. ClinVar contains an entry for this variant (Variation ID: 3730037). Invitae Evidence Modeling of protein sequence and biophysical properties (such as structural, functional, and spatial information, amino acid conservation, physicochemical variation, residue mobility, and thermodynamic stability) indicates that this missense variant is expected to disrupt RYR2 protein function with a positive predictive value of 80%. In summary, the available evidence is currently insufficient to determine the role of this variant in disease. Therefore, it has been classified as a Variant of Uncertain Significance.